The following is an entry in ClinVar:

ClinVar aggregate classification (germline): Uncertain significance. Review status: criteria provided, single submitter (1 of 4 stars). 2 submissions from 2 submitters: Uncertain significance (1). 1 of the submissions does not count toward it. Last evaluated 2024-09-12.

Conditions:
ALPK2-related disorder. Also called: ALPK2-related condition.

Allele frequency attached by ClinVar (database versions not stated): gnomAD exomes 0.00010; gnomAD 0.00032; TOPMed 0.00034; ExAC 0.00049; 1000 Genomes Project 30x 0.00297; 1000 Genomes Project 0.00300.
gnomAD v4.1: 287 of 1,613,204 alleles (0.018%); highest among the groups gnomAD compares: East Asian, 0.39%; 6 homozygotes.

Submissions (2):

Ambry Genetics
Classification: Uncertain significance. Last evaluated: 2024-09-12. Review status: criteria provided, single submitter. Criteria: Ambry Variant Classification Scheme 2023. Collection method: clinical testing. Allele origin: germline.
Comment: The p.A29V variant (also known as c.86C>T), located in coding exon 1 of the ALPK2 gene, results from a C to T substitution at nucleotide position 86. The alanine at codon 29 is replaced by valine, an amino acid with similar properties. This amino acid position is conserved. In addition, this alteration is predicted to be tolerated by in silico analysis. Since supporting evidence is limited at this time, the clinical significance of this alteration remains unclear.

PreventionGenetics, part of Exact Sciences
Classification: Benign for ALPK2-related condition. Last evaluated: 2019-03-28. Review status: no assertion criteria provided. Collection method: clinical testing. Allele origin: germline. Not counted in ClinVar's aggregate classification.
Comment: This variant is classified as benign based on ACMG/AMP sequence variant interpretation guidelines (Richards et al. 2015 PMID: 25741868, with internal and published modifications).

NM_052947.4(ALPK2):c.86C>T (p.Ala29Val)

Gene: ALPK2 (alpha kinase 2; minus strand). Cytogenetic location: 18q21.32.
Variant type: single nucleotide variant.
Coding change: c.86C>T on transcript NM_052947.4 (MANE Select); coding-DNA position 86, C replaced by T.
Protein change: p.Ala29Val; replaces alanine 29 with valine.
Molecular consequence: missense variant.
Genome position (GRCh38, 1-based): chr18:58,611,712, G>A on the plus strand (C>T on the coding strand, the complement: ALPK2 is on the minus strand). VCF-style: chr18-58611712-G-A. GRCh37 (hg19) VCF-style: chr18-56278944-G-A.
Other names: short protein forms A29V.
Identifiers: ClinVar variation 1764357 (VCV001764357.5), dbSNP rs138405027, ClinGen allele CA8977555.
Genomic context (GRCh38, chr18:58,611,712, plus strand): 5'-ATTTTAGAGGGTGATTAGCTAGTCTAGTGATGGTTACCAGATATTATGCAGCGAAGCACA[G>A]CGTCTGACTTCTCAGGAACCTTCTGGGAAAGCAATGTAGATAAAAAACACAGCGGGGGCC-3'
Protein context (NP_443179.3, residues 19-39): LSQKVPEKSD[Ala29Val]VLRCIISGQP